The following is an entry in ClinVar:

NM_006393.3(NEBL):c.1453G>T (p.Asp485Tyr)

Gene: NEBL (nebulette; minus strand). Cytogenetic location: 10p12.31.
Variant type: single nucleotide variant.
Coding change: c.1453G>T on transcript NM_006393.3 (MANE Select); coding-DNA position 1453, G replaced by T.
Protein change: p.Asp485Tyr; replaces aspartic acid 485 with tyrosine.
Molecular consequence: missense variant. On other transcripts: intron variant (9).
Genome position (GRCh38, 1-based): chr10:20,831,580, C>A on the plus strand (G>T on the coding strand, the complement: NEBL is on the minus strand). VCF-style: chr10-20831580-C-A. GRCh37 (hg19) VCF-style: chr10-21120509-C-A.
Other names: c.250-18640G>T (NM_001377326.1, NM_001377327.1, NM_001377328.1); c.358-18640G>T (NM_213569.2, NM_001173484.2, NM_001377322.1); c.301-18640G>T (NM_001377324.1); c.292-18640G>T (NM_001377325.1); c.310-18640G>T (NM_001377323.1); short protein forms D485Y.
Identifiers: ClinVar variation 3728856 (VCV003728856.2).

ClinVar aggregate classification (germline): Uncertain significance (1 of 4 stars; one submission).

Conditions:
Primary dilated cardiomyopathy (DCM). Also called: Dilated Cardiomyopathy. Identifiers: Orphanet 217604, MedGen C0007193, MeSH D002311, MONDO:0005021, HP:0001644. Inheritance: Various modes of inheritance.

Submission:

Labcorp Genetics (formerly Invitae), Labcorp
Classification: Uncertain significance for Primary dilated cardiomyopathy. Last evaluated: 2025-01-12. Review status: criteria provided, single submitter. Criteria: Invitae Variant Classification Sherloc (09022015). Collection method: clinical testing. Allele origin: germline.
Comment: This sequence change replaces aspartic acid, which is acidic and polar, with tyrosine, which is neutral and polar, at codon 485 of the NEBL protein (p.Asp485Tyr). This variant is not present in population databases (gnomAD no frequency). This variant has not been reported in the literature in individuals affected with NEBL-related conditions. An algorithm developed to predict the effect of missense changes on protein structure and function (PolyPhen-2) suggests that this variant is likely to be disruptive. In summary, the available evidence is currently insufficient to determine the role of this variant in disease. Therefore, it has been classified as a Variant of Uncertain Significance.